The following is an entry in ClinVar:

NM_015001.3(SPEN):c.8320A>C (p.Lys2774Gln)

Gene: SPEN (spen family transcriptional repressor; plus strand). Cytogenetic location: 1p36.13.
Variant type: single nucleotide variant.
Coding change: c.8320A>C on transcript NM_015001.3 (MANE Select); coding-DNA position 8320, A replaced by C.
Protein change: p.Lys2774Gln; replaces lysine 2774 with glutamine.
Molecular consequence: missense variant.
Genome position (GRCh38, 1-based): chr1:15,934,560, A>C. VCF-style: chr1-15934560-A-C. GRCh37 (hg19) VCF-style: chr1-16261055-A-C.
Other names: short protein forms K2774Q.
Identifiers: ClinVar variation 2631846 (VCV002631846.1), dbSNP rs2523092274, ClinGen allele CA338649799.

ClinVar aggregate classification (germline): Uncertain significance (1 of 4 stars; one submission).

Conditions:
SPEN-related disorder. Also called: SPEN-related condition.

Allele frequency attached by ClinVar (database versions not stated): gnomAD exomes below 0.00001.
gnomAD v4.1: 1 of 1,614,146 alleles (0.000062%); highest among the groups gnomAD compares: East Asian, 0.0022%; no homozygotes.

Submission:

PreventionGenetics, part of Exact Sciences
Classification: Uncertain significance for SPEN-related condition. Last evaluated: 2022-11-05. Review status: criteria provided, single submitter. Criteria: ACMG Guidelines, 2015. Collection method: clinical testing. Allele origin: germline.
Comment: The SPEN c.8320A>C variant is predicted to result in the amino acid substitution p.Lys2774Gln. To our knowledge, this variant has not been reported in the literature or in a large population database, indicating this variant is rare. At this time, the clinical significance of this variant is uncertain due to the absence of conclusive functional and genetic evidence.